The following is an entry in ClinVar:

NM_000426.4(LAMA2):c.7912C>T (p.Gln2638Ter)

Gene: LAMA2 (laminin subunit alpha 2; plus strand). Cytogenetic location: 6q22.33.
Variant type: single nucleotide variant.
Coding change: c.7912C>T on transcript NM_000426.4 (MANE Select); coding-DNA position 7912, C replaced by T.
Protein change: p.Gln2638Ter; replaces glutamine 2638 with a stop codon.
Molecular consequence: nonsense.
Genome position (GRCh38, 1-based): chr6:129,491,914, C>T. VCF-style: chr6-129491914-C-T. GRCh37 (hg19) VCF-style: chr6-129813059-C-T.
Other names: c.7900C>T, p.Gln2634Ter (NM_001079823.2); short protein forms Q2634*, Q2638*.
Identifiers: ClinVar variation 983649 (VCV000983649.4), dbSNP rs1784882494, ClinGen allele CA365630409.

ClinVar aggregate classification (germline): Likely pathogenic (1 of 4 stars; one submission).

Conditions:
LAMA2-related muscular dystrophy (LAMA2-RD). Also called: Laminin alpha 2-related dystrophy. Identifiers: MedGen C5679788, MONDO:0100228.

Submission:

Myriad Genetics, Inc.
Classification: Likely pathogenic for LAMA2-related muscular dystrophy. Last evaluated: 2019-12-28. Review status: criteria provided, single submitter. Criteria: Myriad Autosomal Dominant, Autosomal Recessive and X-Linked Classification Criteria (2023). Collection method: clinical testing. Allele origin: unknown.
Comment: NM_000426.3(LAMA2):c.7912C>T(Q2638*) is expected to be pathogenic in the context of LAMA2-related muscular dystrophy. This variant is predicted to lead to an abnormal or absent protein product due to the creation of a premature termination codon in LAMA2, a gene where loss-of-function variants are known to be pathogenic. Please note: this variant was assessed in the context of healthy population screening.